The following is an entry in ClinVar:

NM_001256715.2(DNAAF3):c.228+17A>G

Genes: DNAAF3 (dynein axonemal assembly factor 3; minus strand), DNAAF3-AS1 (DNAAF3 antisense RNA 1; plus strand). Cytogenetic location: 19q13.42.
Variant type: single nucleotide variant.
Coding change: c.228+17A>G on transcript NM_001256715.2 (MANE Select); 17 bases into the intron after coding-DNA position 228, A replaced by G.
Molecular consequence: intron variant. On other transcripts: missense variant (1).
Genome position (GRCh38, 1-based): chr19:55,165,841, T>C on the plus strand (A>G on the coding strand, the complement: DNAAF3 is on the minus strand). VCF-style: chr19-55165841-T-C. GRCh37 (hg19) VCF-style: chr19-55677209-T-C.
Other names: c.7A>G, p.Met3Val (NM_001256716.2); c.369+17A>G (NM_178837.4); c.432+17A>G (NM_001256714.1); short protein forms M3V.
Identifiers: ClinVar variation 2050145 (VCV002050145.4), dbSNP rs2515544821, ClinGen allele CA407461019.

ClinVar aggregate classification (germline): Uncertain significance (1 of 4 stars; one submission).

Conditions:
Primary ciliary dyskinesia. Also called: Ciliary dyskinesia. Identifiers: Orphanet 244, MedGen C0008780, MONDO:0016575, HP:0012265.

Submission:

Labcorp Genetics (formerly Invitae), Labcorp
Classification: Uncertain significance for Primary ciliary dyskinesia. Last evaluated: 2022-07-06. Review status: criteria provided, single submitter. Criteria: Invitae Variant Classification Sherloc (09022015). Collection method: clinical testing. Allele origin: germline.
Comment: Algorithms developed to predict the effect of sequence changes on RNA splicing suggest that this variant may disrupt the consensus splice site. In summary, the available evidence is currently insufficient to determine the role of this variant in disease. Therefore, it has been classified as a Variant of Uncertain Significance. This variant has not been reported in the literature in individuals affected with DNAAF3-related conditions. This variant is not present in population databases (gnomAD no frequency). This sequence change falls in intron 3 of the DNAAF3 gene. It does not directly change the encoded amino acid sequence of the DNAAF3 protein.